The following is an entry in ClinVar:

NM_014975.3(MAST1):c.210dup (p.Asn71fs)

Gene: MAST1 (microtubule associated serine/threonine kinase 1; plus strand). Cytogenetic location: 19p13.13.
Variant type: Duplication.
Coding change: c.210dup on transcript NM_014975.3 (MANE Select); coding-DNA position 210, one base duplicated (C; older notation c.210dupC).
Protein change: p.Asn71fs; shifts the reading frame from asparagine 71.
Molecular consequence: frameshift variant.
Genome position (GRCh38, 1-based): chr19:12,841,028, C duplicated; the last of 5 consecutive C bases (chr19:12,841,024-12,841,028); duplicating any one gives the same sequence. VCF-style (leftmost placement, unchanged base first): chr19-12841023-T-TC. GRCh37 (hg19) VCF-style: chr19-12951837-T-TC.
Other names: short protein forms N71fs.
Identifiers: ClinVar variation 690392 (VCV000690392.5), dbSNP rs1380941808, ClinGen allele CA783405619.

ClinVar aggregate classification (germline): Uncertain significance. Review status: criteria provided, multiple submitters, no conflicts (2 of 4 stars). 2 submissions from 2 submitters: Uncertain significance (2). Last evaluated 2022-04-04.

Conditions:
Mega-corpus-callosum syndrome with cerebellar hypoplasia and cortical malformations. Identifiers: MedGen C4748927, MONDO:0032648, OMIM 618273.

Submissions (2):

Labcorp Genetics (formerly Invitae), Labcorp
Classification: Uncertain significance. Last evaluated: 2022-04-04. Review status: criteria provided, single submitter. Criteria: Invitae Variant Classification Sherloc (09022015). Collection method: clinical testing. Allele origin: germline.
Comment: This variant is not present in population databases (gnomAD no frequency). In summary, the available evidence is currently insufficient to determine the role of this variant in disease. Therefore, it has been classified as a Variant of Uncertain Significance. ClinVar contains an entry for this variant (Variation ID: 690392). This variant has not been reported in the literature in individuals affected with MAST1-related conditions. This sequence change creates a premature translational stop signal (p.Asn71Glnfs*167) in the MAST1 gene. It is expected to result in an absent or disrupted protein product. However, the current clinical and genetic evidence is not sufficient to establish whether loss-of-function variants in MAST1 cause disease.

HudsonAlpha Institute for Biotechnology
Classification: Uncertain significance for Mega-corpus-callosum syndrome with cerebellar hypoplasia and cortical malformations. Last evaluated: 2019-01-08. Review status: criteria provided, single submitter. Criteria: ACMG Guidelines, 2015. Collection method: research. Allele origin: unknown. Observed: 1 variant allele. Study: HudsonAlpha-AGHI-WGS.